The following is an entry in ClinVar:

ClinVar aggregate classification (germline): Uncertain significance. Review status: criteria provided, multiple submitters, no conflicts (2 of 4 stars). 7 submissions from 7 submitters: Uncertain significance (7). Last evaluated 2025-07-01.

Conditions:
Hereditary cancer-predisposing syndrome. Also called: Hereditary neoplastic syndrome; Neoplastic Syndromes, Hereditary; Hereditary Cancer Syndrome; Tumor predisposition. Identifiers: Orphanet 140162, MedGen C0027672, MeSH D009386, MONDO:0015356.
Familial adenomatous polyposis 1 (FAP1). Also called: FAMILIAL ADENOMATOUS POLYPOSIS 1, ATTENUATED; POLYPOSIS, ADENOMATOUS INTESTINAL. Identifiers: MedGen C2713442, MONDO:0021056, OMIM 175100. Disease mechanism: loss of function.
Classic or attenuated familial adenomatous polyposis. Identifiers: MedGen CN372698, MONDO:0021057.

Allele frequency attached by ClinVar (database versions not stated): gnomAD exomes below 0.00001.
gnomAD v4.1: 5 of 1,612,910 alleles (0.00031%); highest among the groups gnomAD compares: Non-Finnish European, 0.00042%; no homozygotes.

Submissions (7):

Ambry Genetics
Classification: Uncertain significance for Hereditary cancer-predisposing syndrome. Last evaluated: 2025-07-01. Review status: criteria provided, single submitter. Criteria: Ambry Variant Classification Scheme 2023. Collection method: clinical testing. Allele origin: germline.
Comment: The p.N1830K variant (also known as c.5490T>G), located in coding exon 15 of the APC gene, results from a T to G substitution at nucleotide position 5490. The asparagine at codon 1830 is replaced by lysine, an amino acid with similar properties. This amino acid position is highly conserved in available vertebrate species. In addition, in silico predictors for this gene do not accurately predict pathogenicity. Missense alterations in APC are not a common cause of disease (Spier I et al. Genet Med. 2024 Feb;26(2):100992). Based on the available evidence, the clinical significance of this variant remains unclear.

Labcorp Genetics (formerly Invitae), Labcorp
Classification: Uncertain significance for Familial adenomatous polyposis 1. Last evaluated: 2024-06-02. Review status: criteria provided, single submitter. Criteria: Invitae Variant Classification Sherloc (09022015). Collection method: clinical testing. Allele origin: germline.
Comment: This sequence change replaces asparagine, which is neutral and polar, with lysine, which is basic and polar, at codon 1830 of the APC protein (p.Asn1830Lys). This variant is not present in population databases (gnomAD no frequency). This variant has not been reported in the literature in individuals affected with APC-related conditions. ClinVar contains an entry for this variant (Variation ID: 486753). Advanced modeling of protein sequence and biophysical properties (such as structural, functional, and spatial information, amino acid conservation, physicochemical variation, residue mobility, and thermodynamic stability) performed at Invitae indicates that this missense variant is not expected to disrupt APC protein function with a negative predictive value of 95%. In summary, the available evidence is currently insufficient to determine the role of this variant in disease. Therefore, it has been classified as a Variant of Uncertain Significance.

Baylor Genetics
Classification: Uncertain significance for Familial adenomatous polyposis 1. Last evaluated: 2024-02-19. Review status: criteria provided, single submitter. Criteria: ACMG Guidelines, 2015. Collection method: clinical testing. Allele origin: unknown.

Color Diagnostics, LLC DBA Color Health
Classification: Uncertain significance for Hereditary cancer-predisposing syndrome. Last evaluated: 2023-12-05. Review status: criteria provided, single submitter. Criteria: ACMG Guidelines, 2015. Collection method: clinical testing. Allele origin: germline.
Comment: This missense variant replaces asparagine with lysine at codon 1830 of the APC protein. Computational prediction tools and conservation analyses are inconclusive regarding the impact of this variant on the protein function. Computational splicing tools suggest that this variant may not impact RNA splicing. To our knowledge, functional assays have not been performed for this variant nor has this variant been reported in individuals affected with hereditary cancer in the literature. This variant has not been identified in the general population by the Genome Aggregation Database (gnomAD). Available evidence is insufficient to determine the role of this variant in disease conclusively. Therefore, this variant is classified as a Variant of Uncertain Significance.

All of Us Research Program, National Institutes of Health
Classification: Uncertain significance for Classic or attenuated familial adenomatous polyposis. Last evaluated: 2023-10-02. Review status: criteria provided, single submitter. Criteria: ACMG Guidelines, 2015. Collection method: clinical testing. Allele origin: germline. Inheritance: Autosomal dominant inheritance. Observed: 1 variant allele, 1 heterozygote.
Comment: This missense variant replaces asparagine with lysine at codon 1830 of the APC protein. Computational prediction tools and conservation analyses are inconclusive regarding the impact of this variant on the protein function. Computational splicing tools suggest that this variant may not impact RNA splicing. To our knowledge, functional assays have not been performed for this variant nor has this variant been reported in individuals affected with hereditary cancer in the literature. This variant has not been identified in the general population by the Genome Aggregation Database (gnomAD). Available evidence is insufficient to determine the role of this variant in disease conclusively. Therefore, this variant is classified as a Variant of Uncertain Significance.

This study involves interpretation of variants in research participants for the purpose of population health screening. Participant phenotype was not available at the time of variant classification. Additional details can be found in publication PMID: 35346344, PMCID: PMC8962531

GeneDx
Classification: Uncertain significance. Last evaluated: 2022-04-12. Review status: criteria provided, single submitter. Criteria: GeneDx Variant Classification Process June 2021. Collection method: clinical testing. Allele origin: germline. Affected: yes.
Comment: Not observed at significant frequency in large population cohorts (gnomAD); In silico analysis supports that this missense variant does not alter protein structure/function; Has not been previously published as pathogenic or benign to our knowledge; This variant is associated with the following publications: (PMID: 18199528)

CeGaT Center for Human Genetics Tuebingen
Classification: Uncertain significance. Last evaluated: 2019-04-01. Review status: criteria provided, single submitter. Criteria: CeGaT Center For Human Genetics Tuebingen Variant Classification Criteria Version 2. Collection method: clinical testing. Allele origin: germline. Affected: yes. Observed: 2 variant alleles.

NM_000038.6(APC):c.5490T>G (p.Asn1830Lys)

Gene: APC (APC regulator of Wnt signaling pathway; plus strand). Cytogenetic location: 5q22.2.
Variant type: single nucleotide variant.
Coding change: c.5490T>G on transcript NM_000038.6 (MANE Select); coding-DNA position 5490, T replaced by G.
Protein change: p.Asn1830Lys; replaces asparagine 1830 with lysine.
Molecular consequence: missense variant.
Genome position (GRCh38, 1-based): chr5:112,841,084, T>G. VCF-style: chr5-112841084-T-G. GRCh37 (hg19) VCF-style: chr5-112176781-T-G.
Other names: c.5490T>G, p.Asn1830Lys (NM_001127510.3, NM_001354895.2); c.5436T>G, p.Asn1812Lys (NM_001127511.3); c.5544T>G, p.Asn1848Lys (NM_001354896.2); c.5520T>G, p.Asn1840Lys (NM_001354897.2); c.5415T>G, p.Asn1805Lys (NM_001354898.2); c.5406T>G, p.Asn1802Lys (NM_001354899.2); c.5367T>G, p.Asn1789Lys (NM_001354900.2); c.5313T>G, p.Asn1771Lys (NM_001354901.2); and 5 more; short protein forms N1830K, N1812K, N1739K, N1789K, N1802K, N1848K, N1670K, N1840K.
Identifiers: ClinVar variation 486753 (VCV000486753.61), dbSNP rs1554086766, ClinGen allele CA16033343.